The following is an entry in ClinVar:

NC_000013.11:g.(?_48342599)_(48345199_?)del

Gene: RB1 (RB transcriptional corepressor 1; plus strand). Cytogenetic location: 13q14.2.
Variant type: Deletion.
Identifiers: ClinVar variation 417540 (VCV000417540.1).

ClinVar aggregate classification (germline): Pathogenic (1 of 4 stars; one submission).

Conditions:
Retinoblastoma (RB1). Also called: RETINOBLASTOMA, SOMATIC. Identifiers: Orphanet 790, MedGen C0035335, MeSH D012175, MONDO:0008380, OMIM 180200, HP:0009919. Disease mechanism: loss of function. Inheritance: Both sporadic and heritable forms are tested..

Submission:

Labcorp Genetics (formerly Invitae), Labcorp
Classification: Pathogenic for Retinoblastoma. Last evaluated: 2016-11-28. Review status: criteria provided, single submitter. Criteria: Invitae Variant Classification Sherloc (09022015). Collection method: clinical testing. Allele origin: germline.
Comment: This variant is a gross deletion of the genomic region encompassing exons 3-4 of the RB1 gene. This creates a premature translational stop signal and is expected to result in an absent or disrupted protein product. Loss-of-function variants in RB1 are known to be pathogenic. This particular variant has been reported in the literature in an individual affected with bilateral Retinoblastoma (PMID: 20090211). For these reasons, this variant has been classified as Pathogenic.